The following is an entry in ClinVar:

NM_006946.4(SPTBN2):c.2161C>T (p.Arg721Cys)

Gene: SPTBN2 (spectrin beta, non-erythrocytic 2; minus strand). Cytogenetic location: 11q13.2.
Variant type: single nucleotide variant.
Coding change: c.2161C>T on transcript NM_006946.4 (MANE Select); coding-DNA position 2161, C replaced by T.
Protein change: p.Arg721Cys; replaces arginine 721 with cysteine.
Molecular consequence: missense variant.
Genome position (GRCh38, 1-based): chr11:66,705,115, G>A on the plus strand (C>T on the coding strand, the complement: SPTBN2 is on the minus strand). VCF-style: chr11-66705115-G-A. GRCh37 (hg19) VCF-style: chr11-66472586-G-A.
Other names: short protein forms R721C.
Identifiers: ClinVar variation 424113 (VCV000424113.5), dbSNP rs757150924, ClinGen allele CA6129183.
Genomic context (GRCh38, chr11:66,705,115, plus strand): 5'-GGGCACGCTCCTCGGCCAGGGCCTCTAGCCGCTCCCACTGGGCTTGGAGTTCAGCTGCAC[G>A]GGCAGAGGCCTGGCTTGCCCCAGGGTGACCCTCGGCCACCAACTGCTGGCCCTGCTCCAG-3'
Protein context (NP_008877.2, residues 711-731): GHPGASQASA[Arg721Cys]AAELQAQWER

ClinVar aggregate classification (germline): Uncertain significance. Review status: criteria provided, multiple submitters, no conflicts (2 of 4 stars). 3 submissions from 3 submitters: Uncertain significance (3). Last evaluated 2025-04-09.

Conditions:
Inborn genetic diseases. Identifiers: MedGen C0950123, MeSH D030342.

Allele frequency attached by ClinVar (database versions not stated): ExAC below 0.00001; gnomAD 0.00001.
gnomAD v4.1: 15 of 1,552,152 alleles (0.00097%); highest among the groups gnomAD compares: Middle Eastern, 0.017%; no homozygotes.

Submissions (3):

Labcorp Genetics (formerly Invitae), Labcorp
Classification: Uncertain significance. Last evaluated: 2025-04-09. Review status: criteria provided, single submitter. Criteria: Invitae Variant Classification Sherloc (09022015). Collection method: clinical testing. Allele origin: germline.
Comment: This sequence change replaces arginine, which is basic and polar, with cysteine, which is neutral and slightly polar, at codon 721 of the SPTBN2 protein (p.Arg721Cys). This variant is present in population databases (rs757150924, gnomAD 0.003%). This variant has not been reported in the literature in individuals affected with SPTBN2-related conditions. ClinVar contains an entry for this variant (Variation ID: 424113). Invitae Evidence Modeling of protein sequence and biophysical properties (such as structural, functional, and spatial information, amino acid conservation, physicochemical variation, residue mobility, and thermodynamic stability) indicates that this missense variant is not expected to disrupt SPTBN2 protein function with a negative predictive value of 80%. In summary, the available evidence is currently insufficient to determine the role of this variant in disease. Therefore, it has been classified as a Variant of Uncertain Significance.

Ambry Genetics
Classification: Uncertain significance for Inborn genetic diseases. Last evaluated: 2023-06-29. Review status: criteria provided, single submitter. Criteria: Ambry Variant Classification Scheme 2023. Collection method: clinical testing. Allele origin: germline.

GeneDx
Classification: Uncertain significance. Last evaluated: 2017-03-23. Review status: criteria provided, single submitter. Criteria: GeneDx Variant Classification (06012015). Collection method: clinical testing. Allele origin: germline. Affected: yes.
Comment: The R721C variant in the SPTBN2 gene has not been reported previously as a pathogenic variant, nor as a benign variant, to our knowledge. However, a a different missense variant at this same codon (R721S) has been reported in an individual with cerebral ataxia (Fogel et al., 2014). The R721C variant is not observed in large population cohorts (Lek et al., 2016; 1000 Genomes Consortium et al., 2015; Exome Variant Server). The R721C variant is a non-conservative amino acid substitution, which occurs at a position that is conserved across species. In silico analysis predicts this variant is probably damaging to the protein structure/function. We interpret R721C as a variant of uncertain significance.